The following is an entry in ClinVar:

NM_002582.4(PARN):c.1351A>G (p.Thr451Ala)

Gene: PARN (poly(A)-specific ribonuclease; minus strand). Cytogenetic location: 16p13.12.
Variant type: single nucleotide variant.
Coding change: c.1351A>G on transcript NM_002582.4 (MANE Select); coding-DNA position 1351, A replaced by G.
Protein change: p.Thr451Ala; replaces threonine 451 with alanine.
Molecular consequence: missense variant.
Genome position (GRCh38, 1-based): chr16:14,554,119, T>C on the plus strand (A>G on the coding strand, the complement: PARN is on the minus strand). VCF-style: chr16-14554119-T-C. GRCh37 (hg19) VCF-style: chr16-14647976-T-C.
Other names: c.1351A>G, p.Thr451Ala (LRG_1286t1); c.1168A>G, p.Thr390Ala (NM_001134477.3); c.1213A>G, p.Thr405Ala (NM_001242992.2); short protein forms T390A, T451A, T405A.
Identifiers: ClinVar variation 651929 (VCV000651929.11), dbSNP rs984383174, ClinGen allele CA394811994.

ClinVar aggregate classification (germline): Uncertain significance (1 of 4 stars; one submission).

Conditions:
Dyskeratosis congenita, autosomal recessive 6 (DKCB6). Identifiers: MedGen C4225356, MONDO:0014600, OMIM 616353.
Pulmonary fibrosis and/or bone marrow failure, Telomere-related, 4. Also called: PULMONARY FIBROSIS AND/OR BONE MARROW FAILURE SYNDROME, TELOMERE-RELATED, 4. Identifiers: Orphanet 2032, MedGen C4225347, MONDO:0014612, OMIM 616371.

Allele frequency attached by ClinVar (database versions not stated): gnomAD exomes below 0.00001.
gnomAD v4.1: 1 of 1,613,468 alleles (0.000062%); highest among the groups gnomAD compares: Admixed American, 0.0017%; no homozygotes.

Submission:

Labcorp Genetics (formerly Invitae), Labcorp
Classification: Uncertain significance for Dyskeratosis congenita, autosomal recessive 6; Pulmonary fibrosis and/or bone marrow failure, Telomere-related, 4. Last evaluated: 2022-12-02. Review status: criteria provided, single submitter. Criteria: Invitae Variant Classification Sherloc (09022015). Collection method: clinical testing. Allele origin: germline.
Comment: In summary, the available evidence is currently insufficient to determine the role of this variant in disease. Therefore, it has been classified as a Variant of Uncertain Significance. Algorithms developed to predict the effect of missense changes on protein structure and function (SIFT, PolyPhen-2, Align-GVGD) all suggest that this variant is likely to be tolerated. ClinVar contains an entry for this variant (Variation ID: 651929). This variant has not been reported in the literature in individuals affected with PARN-related conditions. The frequency data for this variant in the population databases is considered unreliable, as metrics indicate poor data quality at this position in the gnomAD database. This sequence change replaces threonine, which is neutral and polar, with alanine, which is neutral and non-polar, at codon 451 of the PARN protein (p.Thr451Ala).